The following is an entry in ClinVar:

ClinVar aggregate classification (germline): Uncertain significance (1 of 4 stars; one submission).

Conditions:
Familial thoracic aortic aneurysm and aortic dissection (TAAD). Also called: Thoracic aortic aneurysms and dissections. Identifiers: Orphanet 91387, MedGen C4707243, MONDO:0019625.

Submission:

All of Us Research Program, National Institutes of Health
Classification: Uncertain significance for Familial thoracic aortic aneurysm and aortic dissection. Last evaluated: 2023-04-27. Review status: criteria provided, single submitter. Criteria: ACMG Guidelines, 2015. Collection method: clinical testing. Allele origin: germline. Inheritance: Autosomal dominant inheritance. Observed: 1 variant allele, 1 heterozygote.
Comment: This study involves interpretation of variants in research participants for the purpose of population health screening. Participant phenotype was not available at the time of variant classification. Additional details can be found in publication PMID: 35346344, PMCID: PMC8962531

NM_002474.3(MYH11):c.1008G>T (p.Met336Ile)

Gene: MYH11 (myosin heavy chain 11; minus strand). Cytogenetic location: 16p13.11.
Variant type: single nucleotide variant.
Coding change: c.1008G>T on transcript NM_002474.3 (MANE Select); coding-DNA position 1008, G replaced by T.
Protein change: p.Met336Ile; replaces methionine 336 with isoleucine.
Molecular consequence: missense variant.
Genome position (GRCh38, 1-based): chr16:15,771,594, C>A on the plus strand (G>T on the coding strand, the complement: MYH11 is on the minus strand). VCF-style: chr16-15771594-C-A. GRCh37 (hg19) VCF-style: chr16-15865451-C-A.
Other names: c.1029G>T, p.Met343Ile (NM_001040113.2, NM_001040114.2); c.1008G>T, p.Met336Ile (NM_022844.3); short protein forms M336I, M343I.
Identifiers: ClinVar variation 3070582 (VCV003070582.1), dbSNP rs1425973761, ClinGen allele CA394867612.